The following is an entry in ClinVar:

NM_000925.4(PDHB):c.96+6A>T

Genes: PDHB (pyruvate dehydrogenase E1 subunit beta; minus strand), LOC129936949 (ATAC-STARR-seq lymphoblastoid active region 20012; plus strand). Cytogenetic location: 3p14.3.
Variant type: single nucleotide variant.
Coding change: c.96+6A>T on transcript NM_000925.4 (MANE Select); 6 bases into the intron after coding-DNA position 96, A replaced by T.
Molecular consequence: intron variant.
Genome position (GRCh38, 1-based): chr3:58,433,625, T>A on the plus strand (A>T on the coding strand, the complement: PDHB is on the minus strand). VCF-style: chr3-58433625-T-A. GRCh37 (hg19) VCF-style: chr3-58419352-T-A.
Other names: c.42+143A>T (NM_001315536.2); c.96+6A>T (NM_001173468.2).
Identifiers: ClinVar variation 2069589 (VCV002069589.1), dbSNP rs765703598, ClinGen allele CA2471673.

ClinVar aggregate classification (germline): Uncertain significance (1 of 4 stars; one submission).

Conditions:
Pyruvate dehydrogenase E1-beta deficiency (PDHBD). Identifiers: Orphanet 255138, Orphanet 765, MedGen C3279841, MONDO:0013580, OMIM 614111.

Allele frequency attached by ClinVar (database versions not stated): TOPMed below 0.00001; gnomAD exomes 0.00002; ExAC 0.00004.
gnomAD v4.1: 12 of 1,609,392 alleles (0.00075%); highest among the groups gnomAD compares: Admixed American, 0.02%; no homozygotes.

Submission:

Labcorp Genetics (formerly Invitae), Labcorp
Classification: Uncertain significance for Pyruvate dehydrogenase E1-beta deficiency. Last evaluated: 2022-08-13. Review status: criteria provided, single submitter. Criteria: Invitae Variant Classification Sherloc (09022015). Collection method: clinical testing. Allele origin: germline.
Comment: This sequence change falls in intron 2 of the PDHB gene. It does not directly change the encoded amino acid sequence of the PDHB protein. It affects a nucleotide within the consensus splice site. This variant is present in population databases (rs765703598, gnomAD 0.03%). This variant has not been reported in the literature in individuals affected with PDHB-related conditions. Variants that disrupt the consensus splice site are a relatively common cause of aberrant splicing (PMID: 17576681, 9536098). Algorithms developed to predict the effect of sequence changes on RNA splicing suggest that this variant is not likely to affect RNA splicing. In summary, the available evidence is currently insufficient to determine the role of this variant in disease. Therefore, it has been classified as a Variant of Uncertain Significance.

Literature cited by the submitters: PubMed 17576681; PubMed 9536098.